The following is an entry in ClinVar:

ClinVar aggregate classification (germline): Uncertain significance. Review status: criteria provided, multiple submitters, no conflicts (2 of 4 stars). 2 submissions from 2 submitters: Uncertain significance (2). Last evaluated 2026-03-16.

Conditions:
Brugada syndrome 8 (BRGDA8). Identifiers: Orphanet 130, MedGen C2751083, MONDO:0013148, OMIM 613123.

Submissions (2):

Dasa
Classification: Uncertain significance. Last evaluated: 2026-03-16. Review status: criteria provided, single submitter. Criteria: DASA Assertion Criteria. Collection method: clinical testing. Allele origin: germline.
Comment: NM_005477.3(HCN4):c.3482T>G (p.Leu1161Trp) is a missense variant that results in the substitution of leucine with tryptophan. This variant is rare in population databases. The currently available literature and clinical evidence are not sufficient to establish a definitive association between this variant and the reported condition. Therefore, this variant is classified as a variant of uncertain significance.

Labcorp Genetics (formerly Invitae), Labcorp
Classification: Uncertain significance for Brugada syndrome 8. Last evaluated: 2023-08-08. Review status: criteria provided, single submitter. Criteria: Invitae Variant Classification Sherloc (09022015). Collection method: clinical testing. Allele origin: germline.
Comment: This sequence change replaces leucine, which is neutral and non-polar, with tryptophan, which is neutral and slightly polar, at codon 1161 of the HCN4 protein (p.Leu1161Trp). This variant is not present in population databases (gnomAD no frequency). This variant has not been reported in the literature in individuals affected with HCN4-related conditions. Advanced modeling of protein sequence and biophysical properties (such as structural, functional, and spatial information, amino acid conservation, physicochemical variation, residue mobility, and thermodynamic stability) performed at Invitae indicates that this missense variant is not expected to disrupt HCN4 protein function. In summary, the available evidence is currently insufficient to determine the role of this variant in disease. Therefore, it has been classified as a Variant of Uncertain Significance.

NM_005477.3(HCN4):c.3482T>G (p.Leu1161Trp)

Gene: HCN4 (hyperpolarization activated cyclic nucleotide gated potassium channel 4; minus strand). Cytogenetic location: 15q24.1.
Variant type: single nucleotide variant.
Coding change: c.3482T>G on transcript NM_005477.3 (MANE Select); coding-DNA position 3482, T replaced by G.
Protein change: p.Leu1161Trp; replaces leucine 1161 with tryptophan.
Molecular consequence: missense variant.
Genome position (GRCh38, 1-based): chr15:73,322,611, A>C on the plus strand (T>G on the coding strand, the complement: HCN4 is on the minus strand). VCF-style: chr15-73322611-A-C. GRCh37 (hg19) VCF-style: chr15-73614952-A-C.
Other names: short protein forms L1161W.
Identifiers: ClinVar variation 2748942 (VCV002748942.5), dbSNP rs2549067810, ClinGen allele CA393085161.